The following is an entry in ClinVar:

NM_144643.4(SCLT1):c.829T>G (p.Leu277Val)

Gene: SCLT1 (sodium channel and clathrin linker 1; minus strand). Cytogenetic location: 4q28.2.
Variant type: single nucleotide variant.
Coding change: c.829T>G on transcript NM_144643.4 (MANE Select); coding-DNA position 829, T replaced by G.
Protein change: p.Leu277Val; replaces leucine 277 with valine.
Molecular consequence: missense variant.
Genome position (GRCh38, 1-based): chr4:128,965,267, A>C on the plus strand (T>G on the coding strand, the complement: SCLT1 is on the minus strand). VCF-style: chr4-128965267-A-C. GRCh37 (hg19) VCF-style: chr4-129886422-A-C.
Other names: c.829T>G, p.Leu277Val (NM_001410807.1); c.829T>G (NM_144643.3); short protein forms L277V.
Identifiers: ClinVar variation 4581263 (VCV004581263.2).
Genomic context (GRCh38, chr4:128,965,267, plus strand): 5'-AGGTGCATTTAACAATTTACCTTATTTCTAATTGTTTTATACTAGACTGTAACTGCTGTA[A>C]ACGCCTATCTGATGCTTCCTCTCTTCCATGGGCAGACACCACATCCTTCTCCTAGAAAAT-3'
Protein context (NP_653244.2, residues 267-287): HGREEASDRR[Leu277Val]QQLQSSIKQL

ClinVar aggregate classification (germline): Uncertain significance. Review status: criteria provided, multiple submitters, no conflicts (2 of 4 stars). 2 submissions from 2 submitters: Uncertain significance (2). Last evaluated 2025-12-03.

Conditions:
SCLT1-related disorder. Also called: SCLT1-related condition.

gnomAD v4.1: 3 of 1,610,098 alleles (0.00019%); highest among the groups gnomAD compares: Admixed American, 0.0017%; no homozygotes.

Submissions (2):

Ambry Genetics
Classification: Uncertain significance. Last evaluated: 2025-12-03. Review status: criteria provided, single submitter. Criteria: Ambry Variant Classification Scheme 2023. Collection method: clinical testing. Allele origin: germline.

PreventionGenetics, part of Exact Sciences
Classification: Uncertain significance for SCLT1-related condition. Last evaluated: 2024-11-10. Review status: criteria provided, single submitter. Criteria: ACMG Guidelines, 2015. Collection method: clinical testing. Allele origin: germline.
Comment: The SCLT1 c.829T>G variant is predicted to result in the amino acid substitution p.Leu277Val. To our knowledge, this variant has not been reported in the literature. This variant is reported in 0.011% of alleles in individuals of African descent in gnomAD. At this time, the clinical significance of this variant is uncertain due to the absence of conclusive functional and genetic evidence.